The following is an entry in ClinVar:

ClinVar aggregate classification (germline): Uncertain significance (1 of 4 stars; one submission).

Submission:

Labcorp Genetics (formerly Invitae), Labcorp
Classification: Uncertain significance. Last evaluated: 2022-05-20. Review status: criteria provided, single submitter. Criteria: Invitae Variant Classification Sherloc (09022015). Collection method: clinical testing. Allele origin: germline.
Comment: This variant is not present in population databases (gnomAD no frequency). This variant has not been reported in the literature in individuals affected with REST-related conditions. Algorithms developed to predict the effect of missense changes on protein structure and function output the following: SIFT: "Tolerated"; PolyPhen-2: "Benign"; Align-GVGD: "Class C0". The valine amino acid residue is found in multiple mammalian species, which suggests that this missense change does not adversely affect protein function. In summary, the available evidence is currently insufficient to determine the role of this variant in disease. Therefore, it has been classified as a Variant of Uncertain Significance. This sequence change replaces alanine, which is neutral and non-polar, with valine, which is neutral and non-polar, at codon 989 of the REST protein (p.Ala989Val).

NM_005612.5(REST):c.2966C>T (p.Ala989Val)

Gene: REST (RE1 silencing transcription factor; plus strand). Cytogenetic location: 4q12.
Variant type: single nucleotide variant.
Coding change: c.2966C>T on transcript NM_005612.5 (MANE Select); coding-DNA position 2966, C replaced by T.
Protein change: p.Ala989Val; replaces alanine 989 with valine.
Molecular consequence: missense variant.
Genome position (GRCh38, 1-based): chr4:56,931,824, C>T. VCF-style: chr4-56931824-C-T. GRCh37 (hg19) VCF-style: chr4-57797990-C-T.
Other names: c.2966C>T, p.Ala989Val (NM_001193508.2, NM_001363453.3); short protein forms A989V.
Identifiers: ClinVar variation 1902042 (VCV001902042.5), dbSNP rs2475854962, ClinGen allele CA357009914.